The following is an entry in ClinVar:

NM_001367534.1(CAMK2G):c.1534+1G>A

Gene: CAMK2G (calcium/calmodulin dependent protein kinase II gamma; minus strand). Cytogenetic location: 10q22.2.
Variant type: single nucleotide variant.
Coding change: c.1534+1G>A on transcript NM_001367534.1 (MANE Select); the canonical splice donor site of the intron after coding-DNA position 1534, G replaced by A.
Molecular consequence: splice donor variant. On other transcripts: missense variant (13), 3 prime UTR variant (2), non-coding transcript variant (2).
Genome position (GRCh38, 1-based): chr10:73,817,022, C>T on the plus strand (G>A on the coding strand, the complement: CAMK2G is on the minus strand). VCF-style: chr10-73817022-C-T. GRCh37 (hg19) VCF-style: chr10-75576780-C-T.
Other names: c.1466G>A, p.Arg489His (NM_001320898.2); c.1415G>A, p.Arg472His (NM_001367514.1); c.1289G>A, p.Arg430His (NM_001367519.1); c.1397G>A, p.Arg466His (NM_001367520.1); c.1388G>A, p.Arg463His (NM_001367521.1); c.1403G>A, p.Arg468His (NM_001367522.1); c.1352G>A, p.Arg451His (NM_001367523.1); c.1220G>A, p.Arg407His (NM_001367524.1); and 28 more; short protein forms R197H, R315H, R407H, R419H, R430H, R442H, R451H, R457H.
Identifiers: ClinVar variation 1703881 (VCV001703881.3), dbSNP rs561058168, ClinGen allele CA5561682.
Genomic context (GRCh38, chr10:73,817,022, plus strand): 5'-AGACAGAGACAAAGGGGTAAAGGGGCAGGCAGGAGTATATCAGCAGCACGAACCCACTCA[C>T]GATTCTCAAAGTAAAACTTATGGAAATCCATCCCCTCCACGAGGTTACCAAGGGCCTCAG-3'

ClinVar aggregate classification (germline): Uncertain significance (1 of 4 stars; one submission).

Allele frequency attached by ClinVar (database versions not stated): gnomAD exomes below 0.00001; gnomAD 0.00001; ExAC 0.00002; 1000 Genomes Project 0.00020; 1000 Genomes Project 30x 0.00031.
gnomAD v4.1: 4 of 1,614,066 alleles (0.00025%); highest among the groups gnomAD compares: African/African-American, 0.0027%; no homozygotes.

Submission:

GeneDx
Classification: Uncertain significance. Last evaluated: 2023-06-13. Review status: criteria provided, single submitter. Criteria: GeneDx Variant Classification Process June 2021. Collection method: clinical testing. Allele origin: germline. Affected: yes.
Comment: Canonical splice site variant in a gene for which loss-of-function is not a known mechanism of disease; Has not been previously published as pathogenic or benign to our knowledge